The following is an entry in ClinVar:

ClinVar aggregate classification (germline): Uncertain significance (1 of 4 stars; one submission).

Conditions:
Landau-Kleffner syndrome (FESD). Also called: EPILEPSY, FOCAL, WITH SPEECH DISORDER AND WITH OR WITHOUT MENTAL RETARDATION; APHASIA, ACQUIRED, WITH EPILEPSY. Identifiers: Orphanet 1945, Orphanet 725, Orphanet 98818, MedGen C0282512, MONDO:0009509, OMIM 245570.

Allele frequency attached by ClinVar (database versions not stated): TOPMed below 0.00001; gnomAD 0.00001.

Submission:

Labcorp Genetics (formerly Invitae), Labcorp
Classification: Uncertain significance for Landau-Kleffner syndrome. Last evaluated: 2022-06-17. Review status: criteria provided, single submitter. Criteria: Invitae Variant Classification Sherloc (09022015). Collection method: clinical testing. Allele origin: germline.
Comment: This sequence change replaces serine, which is neutral and polar, with arginine, which is basic and polar, at codon 1310 of the GRIN2A protein (p.Ser1310Arg). This variant is present in population databases (no rsID available, gnomAD 0.007%). This variant has not been reported in the literature in individuals affected with GRIN2A-related conditions. Advanced modeling of protein sequence and biophysical properties (such as structural, functional, and spatial information, amino acid conservation, physicochemical variation, residue mobility, and thermodynamic stability) performed at Invitae indicates that this missense variant is not expected to disrupt GRIN2A protein function. In summary, the available evidence is currently insufficient to determine the role of this variant in disease. Therefore, it has been classified as a Variant of Uncertain Significance.

NM_001134407.3(GRIN2A):c.3928A>C (p.Ser1310Arg)

Gene: GRIN2A (glutamate ionotropic receptor NMDA type subunit 2A; minus strand). Cytogenetic location: 16p13.2.
Variant type: single nucleotide variant.
Coding change: c.3928A>C on transcript NM_001134407.3 (MANE Select); coding-DNA position 3928, A replaced by C.
Protein change: p.Ser1310Arg; replaces serine 1310 with arginine.
Molecular consequence: missense variant. On other transcripts: intron variant (1).
Genome position (GRCh38, 1-based): chr16:9,763,616, T>G on the plus strand (A>C on the coding strand, the complement: GRIN2A is on the minus strand). VCF-style: chr16-9763616-T-G. GRCh37 (hg19) VCF-style: chr16-9857473-T-G.
Other names: c.3928A>C, p.Ser1310Arg (NM_000833.5); c.3772+156A>C (NM_001134408.2); short protein forms S1310R.
Identifiers: ClinVar variation 2079787 (VCV002079787.4), dbSNP rs1403990996, ClinGen allele CA394706544.
Genomic context (GRCh38, chr16:9,763,616, plus strand): 5'-TAAACAGGCTGCCGTAAAAATTTCCCTCCAGAAGCCGTTCCCTGTCCTTGAGGCTTATGC[T>G]CCGGGAGGGCCTGCTAAGGTCTAGCTCCCTAGGTTTGTCGACAATGTTATCGTAGGAATG-3'
Protein context (NP_001127879.1, residues 1300-1320): RELDLSRPSR[Ser1310Arg]ISLKDRERLL